The following is an entry in ClinVar:

ClinVar aggregate classification (germline): Benign (1 of 4 stars; one submission).

Allele frequency attached by ClinVar (database versions not stated): 1000 Genomes Project 0.00419; 1000 Genomes Project 30x 0.00437; TOPMed 0.00657; gnomAD 0.00874; gnomAD exomes 0.01226; ExAC 0.01272.
gnomAD v4.1: 17,989 of 1,534,522 alleles (1.2%); highest among the groups gnomAD compares: Non-Finnish European, 1.3%; 138 homozygotes.

Submission:

CeGaT Center for Human Genetics Tuebingen
Classification: Benign. Last evaluated: 2026-04-01. Review status: criteria provided, single submitter. Criteria: CeGaT Center For Human Genetics Tuebingen Variant Classification Criteria Version 2. Collection method: clinical testing. Allele origin: germline. Affected: yes. Observed: 4 variant alleles.
Comment: ARHGEF28: BP4, BP7, BS1, BS2

NM_001177693.2(ARHGEF28):c.5019G>A (p.Ala1673=)

Gene: ARHGEF28 (Rho guanine nucleotide exchange factor 28; plus strand). Cytogenetic location: 5q13.2.
Variant type: single nucleotide variant.
Coding change: c.5019G>A on transcript NM_001177693.2 (MANE Select); coding-DNA position 5019, G replaced by A.
Protein change: p.Ala1673=; no amino-acid change (alanine 1673 retained).
Molecular consequence: synonymous variant.
Genome position (GRCh38, 1-based): chr5:73,940,914, G>A. VCF-style: chr5-73940914-G-A. GRCh37 (hg19) VCF-style: chr5-73236739-G-A.
Other names: c.5097G>A, p.Ala1699= (NM_001080479.3); c.4080G>A, p.Ala1360= (NM_001244364.2); c.4725G>A, p.Ala1575= (NM_001388076.1).
Identifiers: ClinVar variation 2655530 (VCV002655530.24), dbSNP rs114929272, ClinGen allele CA3305475.
Genomic context (GRCh38, chr5:73,940,914, plus strand): 5'-CTCCCACACTGAGTCCCCAACCCCCCATGACTCAAATTCACACCGCCCTCAACTGCAGGC[G>A]TTTATAACAGAAGCAAAGCTAAATCTACCGACAAGGACAATGACCAGACAAGATGGGGAA-3'
Protein context (NP_001171164.1, residues 1663-1683): DSNSHRPQLQ[Ala1673=]FITEAKLNLP